The following is an entry in ClinVar:

ClinVar aggregate classification (germline): Likely pathogenic. Review status: criteria provided, single submitter (1 of 4 stars). 2 submissions from 2 submitters: Likely pathogenic (1). 1 of the submissions does not count toward it. Last evaluated 2025-01-22.

Conditions:
Alkaptonuria (AKU). Also called: Alcaptonuria; Homogentisic acidura; Alkaptonuric ochronosis; HOMOGENTISIC ACID OXIDASE DEFICIENCY. Identifiers: Orphanet 56, MedGen C0002066, MONDO:0008753, OMIM 203500.

Submissions (2):

Labcorp Genetics (formerly Invitae), Labcorp
Classification: Likely pathogenic for Alkaptonuria. Last evaluated: 2025-01-22. Review status: criteria provided, single submitter. Criteria: Invitae Variant Classification Sherloc (09022015). Collection method: clinical testing. Allele origin: germline.
Comment: This sequence change replaces methionine, which is neutral and non-polar, with lysine, which is basic and polar, at codon 186 of the HGD protein (p.Met186Lys). This variant is not present in population databases (gnomAD no frequency). This missense change has been observed in individuals with alkaptonuria (PMID: 25804398, 32212000). ClinVar contains an entry for this variant (Variation ID: 2627687). Invitae Evidence Modeling of protein sequence and biophysical properties (such as structural, functional, and spatial information, amino acid conservation, physicochemical variation, residue mobility, and thermodynamic stability) indicates that this missense variant is expected to disrupt HGD protein function with a positive predictive value of 95%. In summary, the currently available evidence indicates that the variant is pathogenic, but additional data are needed to prove that conclusively. Therefore, this variant has been classified as Likely Pathogenic.

Department Of Human Genetics, Institute Of Clinical And Translational Research, Biomedical Research Center, Slovak Academy Of Sciences
Classification: Pathogenic for Alkaptonuria. Review status: no assertion criteria provided. Collection method: research. Allele origin: germline. Inheritance: Autosomal recessive inheritance. Affected: yes. Observed: 3 variant alleles. Not counted in ClinVar's aggregate classification.
Comment: The variant was originally described in AKU patient in PMID:25804398. It has been submitted to the HGD gene mutation database (DB-ID: AKU_00149).

Literature cited by the submitters: PubMed 25804398 (cited by Labcorp Genetics (formerly Invitae), Labcorp and Department Of Human Genetics, Institute Of Clinical And Translational Research, Biomedical Research Center, Slovak Academy Of Sciences); PubMed 32212000 (cited by Labcorp Genetics (formerly Invitae), Labcorp).

NM_000187.4(HGD):c.557T>A (p.Met186Lys)

Gene: HGD (homogentisate 1,2-dioxygenase; minus strand). Cytogenetic location: 3q13.33.
Variant type: single nucleotide variant.
Coding change: c.557T>A on transcript NM_000187.4 (MANE Select); coding-DNA position 557, T replaced by A.
Protein change: p.Met186Lys; replaces methionine 186 with lysine.
Molecular consequence: missense variant.
Genome position (GRCh38, 1-based): chr3:120,646,359, A>T on the plus strand (T>A on the coding strand, the complement: HGD is on the minus strand). VCF-style: chr3-120646359-A-T. GRCh37 (hg19) VCF-style: chr3-120365206-A-T.
Other names: short protein forms M186K.
Identifiers: ClinVar variation 2627687 (VCV002627687.3), dbSNP rs1941163113, ClinGen allele CA354076823.
Genomic context (GRCh38, chr3:120,646,359, plus strand): 5'-ACACCATAGACCTCCAAGATGTAGCCCCTGGTCTCCTCAAAGACATCTATGCTGAACCGC[A>T]TTCCTCTCTGGAATGGAAAGCAGACACTGGTGTGCCCTCTGAAATCACAGCTGTAGTTAT-3'
Protein context (NP_000178.2, residues 176-196): PNEICVIQRG[Met186Lys]RFSIDVFEET